The following is an entry in ClinVar:

ClinVar aggregate classification (germline): Uncertain significance (1 of 4 stars; one submission).

gnomAD v4.1: 1 of 1,610,300 alleles (0.000062%); highest among the groups gnomAD compares: Admixed American, 0.0017%; no homozygotes.

Submission:

Labcorp Genetics (formerly Invitae), Labcorp
Classification: Uncertain significance. Last evaluated: 2025-09-18. Review status: criteria provided, single submitter. Criteria: Invitae Variant Classification Sherloc (09022015). Collection method: clinical testing. Allele origin: germline.
Comment: This sequence change replaces glutamic acid, which is acidic and polar, with lysine, which is basic and polar, at codon 1047 of the SETD5 protein (p.Glu1047Lys). The frequency data for this variant in the population databases is considered unreliable, as metrics indicate poor data quality at this position in the gnomAD database. This variant has not been reported in the literature in individuals affected with SETD5-related conditions. Invitae Evidence Modeling of protein sequence and biophysical properties (such as structural, functional, and spatial information, amino acid conservation, physicochemical variation, residue mobility, and thermodynamic stability) indicates that this missense variant is expected to disrupt SETD5 protein function with a positive predictive value of 80%. In summary, the available evidence is currently insufficient to determine the role of this variant in disease. Therefore, it has been classified as a Variant of Uncertain Significance.

NM_001080517.3(SETD5):c.3139G>A (p.Glu1047Lys)

Gene: SETD5 (SET domain containing 5; plus strand). Cytogenetic location: 3p25.3.
Variant type: single nucleotide variant.
Coding change: c.3139G>A on transcript NM_001080517.3 (MANE Select); coding-DNA position 3139, G replaced by A.
Protein change: p.Glu1047Lys; replaces glutamic acid 1047 with lysine.
Molecular consequence: missense variant.
Genome position (GRCh38, 1-based): chr3:9,470,873, G>A. VCF-style: chr3-9470873-G-A. GRCh37 (hg19) VCF-style: chr3-9512557-G-A.
Other names: c.2845G>A, p.Glu949Lys (NM_001292043.2, NM_001349451.2); c.3235G>A, p.Glu1079Lys (NM_001437633.1); c.3253G>A, p.Glu1085Lys (NM_001437635.1); c.3196G>A, p.Glu1066Lys (NM_001437643.1); c.3178G>A, p.Glu1060Lys (NM_001437701.1); short protein forms E1047K, E1079K, E1066K, E949K, E1060K, E1085K.
Identifiers: ClinVar variation 4692235 (VCV004692235.1).